The following is an entry in ClinVar:

ClinVar aggregate classification (germline): Uncertain significance (1 of 4 stars; one submission).

Submission:

Labcorp Genetics (formerly Invitae), Labcorp
Classification: Uncertain significance. Last evaluated: 2023-12-25. Review status: criteria provided, single submitter. Criteria: Invitae Variant Classification Sherloc (09022015). Collection method: clinical testing. Allele origin: germline.
Comment: This sequence change replaces threonine, which is neutral and polar, with isoleucine, which is neutral and non-polar, at codon 3321 of the HUWE1 protein (p.Thr3321Ile). This variant is not present in population databases (gnomAD no frequency). This variant has not been reported in the literature in individuals affected with HUWE1-related conditions. Advanced modeling of protein sequence and biophysical properties (such as structural, functional, and spatial information, amino acid conservation, physicochemical variation, residue mobility, and thermodynamic stability) has been performed at Invitae for this missense variant, however the output from this modeling did not meet the statistical confidence thresholds required to predict the impact of this variant on HUWE1 protein function. In summary, the available evidence is currently insufficient to determine the role of this variant in disease. Therefore, it has been classified as a Variant of Uncertain Significance.

NM_031407.7(HUWE1):c.9962C>T (p.Thr3321Ile)

Gene: HUWE1 (HECT, UBA and WWE domain containing E3 ubiquitin protein ligase 1; minus strand). Cytogenetic location: Xp11.22.
Variant type: single nucleotide variant.
Coding change: c.9962C>T on transcript NM_031407.7 (MANE Select); coding-DNA position 9962, C replaced by T.
Protein change: p.Thr3321Ile; replaces threonine 3321 with isoleucine.
Molecular consequence: missense variant.
Genome position (GRCh38, 1-based): chrX:53,549,032, G>A on the plus strand (C>T on the coding strand, the complement: HUWE1 is on the minus strand). VCF-style: chrX-53549032-G-A. GRCh37 (hg19) VCF-style: chrX-53575993-G-A.
Other names: short protein forms T3321I.
Identifiers: ClinVar variation 2705399 (VCV002705399.3), dbSNP rs2523211215, ClinGen allele CA413137061.